The following is an entry in ClinVar:

NM_006494.4(ERF):c.1613C>T (p.Thr538Met)

Gene: ERF (ETS2 repressor factor; minus strand). Cytogenetic location: 19q13.2.
Variant type: single nucleotide variant.
Coding change: c.1613C>T on transcript NM_006494.4 (MANE Select); coding-DNA position 1613, C replaced by T.
Protein change: p.Thr538Met; replaces threonine 538 with methionine.
Molecular consequence: missense variant.
Genome position (GRCh38, 1-based): chr19:42,248,499, G>A on the plus strand (C>T on the coding strand, the complement: ERF is on the minus strand). VCF-style: chr19-42248499-G-A. GRCh37 (hg19) VCF-style: chr19-42752651-G-A.
Other names: c.1388C>T, p.Thr463Met (NM_001301035.2, NM_001308402.2, NM_001312656.2); short protein forms T463M, T538M.
Identifiers: ClinVar variation 2579618 (VCV002579618.2), dbSNP rs1377968522, ClinGen allele CA406103520.

ClinVar aggregate classification (germline): Uncertain significance (1 of 4 stars; one submission).

Allele frequency attached by ClinVar (database versions not stated): gnomAD exomes below 0.00001.

Submission:

GeneDx
Classification: Uncertain significance. Last evaluated: 2026-09-08. Review status: criteria provided, single submitter. Criteria: GeneDx Variant Classification Process June 2021. Collection method: clinical testing. Allele origin: germline.
Comment: Not observed at significant frequency in large population cohorts (gnomAD); In silico analysis suggests that this missense variant does not alter protein structure/function; Has not been previously published as pathogenic or benign to our knowledge